The following is an entry in ClinVar:

ClinVar aggregate classification (germline): Uncertain significance. Review status: criteria provided, multiple submitters, no conflicts (2 of 4 stars). 2 submissions from 2 submitters: Uncertain significance (2). Last evaluated 2025-07-21.

Allele frequency attached by ClinVar (database versions not stated): TOPMed 0.00002; gnomAD 0.00003 and 0.00004; ExAC 0.00005; gnomAD exomes 0.00005 and 0.00006; 1000 Genomes Project 30x 0.00031; 1000 Genomes Project 0.00040.
gnomAD v4.1: 70 of 1,599,690 alleles (0.0044%); highest among the groups gnomAD compares: South Asian, 0.0055%; no homozygotes.

Submissions (2):

Labcorp Genetics (formerly Invitae), Labcorp
Classification: Uncertain significance. Last evaluated: 2025-07-21. Review status: criteria provided, single submitter. Criteria: Invitae Variant Classification Sherloc (09022015). Collection method: clinical testing. Allele origin: germline.
Comment: This sequence change replaces arginine, which is basic and polar, with cysteine, which is neutral and slightly polar, at codon 705 of the LONP1 protein (p.Arg705Cys). This variant is present in population databases (rs199769453, gnomAD 0.008%). This variant has not been reported in the literature in individuals affected with LONP1-related conditions. ClinVar contains an entry for this variant (Variation ID: 1368553). Invitae Evidence Modeling of protein sequence and biophysical properties (such as structural, functional, and spatial information, amino acid conservation, physicochemical variation, residue mobility, and thermodynamic stability) has been performed for this missense variant. However, the output from this modeling did not meet the statistical confidence thresholds required to predict the impact of this variant on LONP1 protein function. In summary, the available evidence is currently insufficient to determine the role of this variant in disease. Therefore, it has been classified as a Variant of Uncertain Significance.

GeneDx
Classification: Uncertain significance. Last evaluated: 2024-01-25. Review status: criteria provided, single submitter. Criteria: GeneDx Variant Classification Process June 2021. Collection method: clinical testing. Allele origin: germline. Affected: yes.
Comment: In silico analysis supports that this missense variant has a deleterious effect on protein structure/function; Has not been previously published as pathogenic or benign to our knowledge

NM_004793.4(LONP1):c.2113C>T (p.Arg705Cys)

Gene: LONP1 (lon peptidase 1, mitochondrial; minus strand). Cytogenetic location: 19p13.3.
Variant type: single nucleotide variant.
Coding change: c.2113C>T on transcript NM_004793.4 (MANE Select); coding-DNA position 2113, C replaced by T.
Protein change: p.Arg705Cys; replaces arginine 705 with cysteine.
Molecular consequence: missense variant. On other transcripts: non-coding transcript variant (1).
Genome position (GRCh38, 1-based): chr19:5,694,802, G>A on the plus strand (C>T on the coding strand, the complement: LONP1 is on the minus strand). VCF-style: chr19-5694802-G-A. GRCh37 (hg19) VCF-style: chr19-5694813-G-A.
Other names: c.1921C>T, p.Arg641Cys (NM_001276479.2); c.1525C>T, p.Arg509Cys (NM_001276480.1); c.2113C>T (NM_004793.3); short protein forms R705C, R509C, R641C.
Identifiers: ClinVar variation 1368553 (VCV001368553.9), dbSNP rs199769453, ClinGen allele CA9114290.